The following is an entry in ClinVar:

ClinVar aggregate classification (germline): Uncertain significance. Review status: criteria provided, multiple submitters, no conflicts (2 of 4 stars). 2 submissions from 2 submitters: Uncertain significance (2). Last evaluated 2024-08-20.

Conditions:
Charcot-Marie-Tooth disease type 2. Also called: Charcot-Marie-Tooth type 2. Identifiers: Orphanet 64746, MedGen C0270914, MONDO:0018993.

Allele frequency attached by ClinVar (database versions not stated): gnomAD exomes below 0.00001; gnomAD 0.00001; TOPMed 0.00001.
gnomAD v4.1: 3 of 1,613,982 alleles (0.00019%); highest among the groups gnomAD compares: African/African-American, 0.0013%; no homozygotes.

Submissions (2):

Labcorp Genetics (formerly Invitae), Labcorp
Classification: Uncertain significance for Charcot-Marie-Tooth disease type 2. Last evaluated: 2024-08-20. Review status: criteria provided, single submitter. Criteria: Invitae Variant Classification Sherloc (09022015). Collection method: clinical testing. Allele origin: germline.
Comment: This sequence change affects codon 1716 of the KIF1B mRNA. It is a 'silent' change, meaning that it does not change the encoded amino acid sequence of the KIF1B protein. This variant is not present in population databases (gnomAD no frequency). This variant has not been reported in the literature in individuals affected with KIF1B-related conditions. ClinVar contains an entry for this variant (Variation ID: 1745641). Algorithms developed to predict the effect of sequence changes on RNA splicing suggest that this variant may create or strengthen a splice site. In summary, the available evidence is currently insufficient to determine the role of this variant in disease. Therefore, it has been classified as a Variant of Uncertain Significance.

Ambry Genetics
Classification: Uncertain significance. Last evaluated: 2023-09-01. Review status: criteria provided, single submitter. Criteria: Ambry Variant Classification Scheme 2023. Collection method: clinical testing. Allele origin: germline.
Comment: The c.5148G>A variant (also known as p.V1716V), located in coding exon 44 of the KIF1B gene, results from a G to A substitution at nucleotide position 5148. This nucleotide substitution does not change the at codon 1716. This nucleotide position is not well conserved in available vertebrate species. In silico splice site analysis predicts that this alteration will result in the creation or strengthening of a novel splice donor site. The evidence for this gene-disease relationship is limited; therefore, the clinical significance of this alteration is unclear.

NM_001365951.3(KIF1B):c.5286G>A (p.Val1762=)

Gene: KIF1B (kinesin family member 1B; plus strand). Cytogenetic location: 1p36.22.
Variant type: single nucleotide variant.
Coding change: c.5286G>A on transcript NM_001365951.3 (MANE Select); coding-DNA position 5286, G replaced by A.
Protein change: p.Val1762=; no amino-acid change (valine 1762 retained).
Molecular consequence: synonymous variant.
Genome position (GRCh38, 1-based): chr1:10,375,043, G>A. VCF-style: chr1-10375043-G-A. GRCh37 (hg19) VCF-style: chr1-10435101-G-A.
Other names: c.5286G>A, p.Val1762= (NM_001365952.1); c.5148G>A, p.Val1716= (NM_015074.3).
Identifiers: ClinVar variation 1745641 (VCV001745641.6), dbSNP rs1638844000, ClinGen allele CA415888672.
Genomic context (GRCh38, chr1:10,375,043, plus strand): 5'-TGGAATCATTAACCTGTCCACAGCACAGGTGGAGTACAGTGAGGACCAGCAGGCCATGGT[G>A]AAGGTCCGTCCTGCCCTGCCTTGGTTTCTTATTGCCACGTGTGCCCTTCTCTTTTGATTT-3'
Protein context (NP_001352880.1, residues 1752-1772): VEYSEDQQAM[Val1762=]KTPNTFAVCT